The following is an entry in ClinVar:

NM_000138.5(FBN1):c.5312G>A (p.Arg1771Gln)

Gene: FBN1 (fibrillin 1; minus strand). Cytogenetic location: 15q21.1.
Variant type: single nucleotide variant.
Coding change: c.5312G>A on transcript NM_000138.5 (MANE Select); coding-DNA position 5312, G replaced by A.
Protein change: p.Arg1771Gln; replaces arginine 1771 with glutamine.
Molecular consequence: missense variant.
Genome position (GRCh38, 1-based): chr15:48,456,747, C>T on the plus strand (G>A on the coding strand, the complement: FBN1 is on the minus strand). VCF-style: chr15-48456747-C-T. GRCh37 (hg19) VCF-style: chr15-48748944-C-T.
Other names: short protein forms R1771Q.
Identifiers: ClinVar variation 923469 (VCV000923469.13), dbSNP rs759791896, ClinGen allele CA054696.

ClinVar aggregate classification (germline): Conflicting classifications of pathogenicity. Review status: criteria provided, conflicting classifications (1 of 4 stars). 4 submissions from 4 submitters: Uncertain significance (3); Likely benign (1). Last evaluated 2025-09-12.

Conditions:
Marfan syndrome (MFS). Also called: Marfan syndrome, classic; Marfan syndrome type 1; Marfan's syndrome; FBN1-Related Marfan Syndrome; MARFAN SYNDROME, TYPE I. Identifiers: Orphanet 284963, Orphanet 558, MedGen C0024796, MONDO:0007947, OMIM 154700.
Weill-Marchesani syndrome 2, dominant. Also called: FBN1-Related Weill-Marchesani Syndrome; Weill-Marchesani Syndrome, Autosomal Dominant. Identifiers: Orphanet 2084, MedGen C1869115, MONDO:0012013, OMIM 608328.
Progeroid and marfanoid aspect-lipodystrophy syndrome. Also called: MARFANOID-PROGEROID SYNDROME; MARFAN-PROGEROID-LIPODYSTROPHY SYNDROME; Marfan lipodystrophy syndrome; MARFANOID-PROGEROID-LIPODYSTROPHY SYNDROME. Identifiers: Orphanet 300382, MedGen C4310796, MONDO:0014831, OMIM 616914.
Acromicric dysplasia (ACMICD). Also called: Acromicric skeletal dysplasia. Identifiers: Orphanet 969, MedGen C0265287, MONDO:0007055, OMIM 102370.
Ectopia lentis 1, isolated, autosomal dominant (ECTOL1). Identifiers: Orphanet 1885, MedGen C3541518, MONDO:0007514, OMIM 129600.
Geleophysic dysplasia 2 (GPHYSD2). Identifiers: Orphanet 2623, MedGen C3280054, MONDO:0013612, OMIM 614185.
MASS syndrome (OCTD). Also called: OVERLAP CONNECTIVE TISSUE DISEASE; MASS PHENOTYPE. Identifiers: MedGen C1858556, MONDO:0011431, OMIM 604308.
Stiff skin syndrome (SSKS). Identifiers: Orphanet 2833, MedGen C1861456, MONDO:0008492, OMIM 184900.
Familial thoracic aortic aneurysm and aortic dissection (TAAD). Also called: Thoracic aortic aneurysms and dissections. Identifiers: Orphanet 91387, MedGen C4707243, MONDO:0019625.

Allele frequency attached by ClinVar (database versions not stated): gnomAD 0.00001; TOPMed 0.00001; gnomAD exomes 0.00002; ExAC 0.00002.
gnomAD v4.1: 20 of 1,613,394 alleles (0.0012%); highest among the groups gnomAD compares: Admixed American, 0.0067%; no homozygotes.

Submissions (4):

Color Diagnostics, LLC DBA Color Health
Classification: Uncertain significance for Familial thoracic aortic aneurysm and aortic dissection. Last evaluated: 2025-09-12. Review status: criteria provided, single submitter. Criteria: ACMG Guidelines, 2015. Collection method: clinical testing. Allele origin: germline.
Comment: This missense variant replaces arginine with glutamine at codon 1771 of the FBN1 protein. Computational prediction suggests that this variant may not impact protein structure and function. To our knowledge, functional studies have not been reported for this variant. This variant has not been reported in individuals affected with FBN1-related disorders in the literature. This variant has been identified in 6/250880 chromosomes in the general population by the Genome Aggregation Database (gnomAD). The available evidence is insufficient to determine the role of this variant in disease conclusively. Therefore, this variant is classified as a Variant of Uncertain Significance.

Labcorp Genetics (formerly Invitae), Labcorp
Classification: Likely benign for Marfan syndrome; Familial thoracic aortic aneurysm and aortic dissection. Last evaluated: 2025-01-29. Review status: criteria provided, single submitter. Criteria: Invitae Variant Classification Sherloc (09022015). Collection method: clinical testing. Allele origin: germline.

All of Us Research Program, National Institutes of Health
Classification: Uncertain significance for Marfan syndrome. Last evaluated: 2024-01-11. Review status: criteria provided, single submitter. Criteria: ACMG Guidelines, 2015. Collection method: clinical testing. Allele origin: germline. Inheritance: Autosomal dominant inheritance. Observed: 6 variant alleles, 6 heterozygotes.
Comment: This missense variant replaces arginine with glutamine at codon 1771 of the FBN1 protein. Computational prediction suggests that this variant may not impact protein structure and function (internally defined REVEL score threshold <= 0.5, PMID: 27666373). To our knowledge, functional studies have not been reported for this variant. This variant has not been reported in individuals affected with cardiovascular disorders in the literature. This variant has been identified in 6/250880 chromosomes in the general population by the Genome Aggregation Database (gnomAD). The available evidence is insufficient to determine the role of this variant in disease conclusively. Therefore, this variant is classified as a Variant of Uncertain Significance.

This study involves interpretation of variants in research participants for the purpose of population health screening. Participant phenotype was not available at the time of variant classification. Additional details can be found in publication PMID: 35346344, PMCID: PMC8962531

Fulgent Genetics
Classification: Uncertain significance for Acromicric dysplasia; Ectopia lentis 1, isolated, autosomal dominant; Marfan syndrome; Stiff skin syndrome; MASS syndrome; Weill-Marchesani syndrome 2, dominant; Geleophysic dysplasia 2; Progeroid and marfanoid aspect-lipodystrophy syndrome. Last evaluated: 2021-08-13. Review status: criteria provided, single submitter. Criteria: ACMG Guidelines, 2015. Collection method: clinical testing. Allele origin: unknown.